The following is an entry in ClinVar:

NM_004453.4(ETFDH):c.386del (p.Pro129fs)

Gene: ETFDH (electron transfer flavoprotein dehydrogenase; plus strand). Cytogenetic location: 4q32.1.
Variant type: Deletion.
Coding change: c.386del on transcript NM_004453.4 (MANE Select); coding-DNA position 386, one base deleted (C; older notation c.386delC).
Protein change: p.Pro129fs; shifts the reading frame from proline 129.
Molecular consequence: frameshift variant.
Genome position (GRCh38, 1-based): chr4:158,682,405, C deleted; the last of 3 consecutive C bases (chr4:158,682,403-158,682,405); deleting any one gives the same sequence. VCF-style (leftmost placement, unchanged base first): chr4-158682402-TC-T. GRCh37 (hg19) VCF-style: chr4-159603554-TC-T.
Other names: c.245del, p.Pro82fs (NM_001281737.2); c.203del, p.Pro68fs (NM_001281738.1); short protein forms P129fs, P68fs, P82fs.
Identifiers: ClinVar variation 1076856 (VCV001076856.7), dbSNP rs2150305297, ClinGen allele CA2499217128.

ClinVar aggregate classification (germline): Pathogenic (1 of 4 stars; one submission).

Conditions:
Multiple acyl-CoA dehydrogenase deficiency (MADD). Also called: ETHYLMALONIC-ADIPICACIDURIA; GA II; Glutaric Acidemia type 2; Glutaric acidemia type II; GA 2; Glutaric aciduria, type 2. Identifiers: Orphanet 26791, MedGen C0268596, MONDO:0009282, OMIM 231680.

Submission:

Labcorp Genetics (formerly Invitae), Labcorp
Classification: Pathogenic for Multiple acyl-CoA dehydrogenase deficiency. Last evaluated: 2020-05-03. Review status: criteria provided, single submitter. Criteria: Invitae Variant Classification Sherloc (09022015). Collection method: clinical testing. Allele origin: germline.
Comment: For these reasons, this variant has been classified as Pathogenic. Loss-of-function variants in ETFDH are known to be pathogenic (PMID: 16510302, 23785301). This variant has not been reported in the literature in individuals with ETFDH-related conditions. This variant is not present in population databases (ExAC no frequency). This sequence change creates a premature translational stop signal (p.Pro129Glnfs*14) in the ETFDH gene. It is expected to result in an absent or disrupted protein product.

Literature cited by the submitters: PubMed 16510302; PubMed 23785301.